The following is an entry in ClinVar:

ClinVar aggregate classification (germline): Uncertain significance (1 of 4 stars; one submission).

Conditions:
Dystonic disorder. Also called: Dystonia. Identifiers: MedGen C0013421, MONDO:0003441, HP:0001332.

gnomAD v4.1: 17 of 1,614,014 alleles (0.0011%); highest among the groups gnomAD compares: Admixed American, 0.0017%; no homozygotes.

Submission:

Labcorp Genetics (formerly Invitae), Labcorp
Classification: Uncertain significance for Dystonic disorder. Last evaluated: 2025-01-16. Review status: criteria provided, single submitter. Criteria: Invitae Variant Classification Sherloc (09022015). Collection method: clinical testing. Allele origin: germline.
Comment: This sequence change replaces arginine, which is basic and polar, with cysteine, which is neutral and slightly polar, at codon 360 of the DRD2 protein (p.Arg360Cys). This variant is present in population databases (rs201230093, gnomAD 0.003%). This variant has not been reported in the literature in individuals affected with DRD2-related conditions. An algorithm developed to predict the effect of missense changes on protein structure and function (PolyPhen-2) suggests that this variant is likely to be disruptive. In summary, the available evidence is currently insufficient to determine the role of this variant in disease. Therefore, it has been classified as a Variant of Uncertain Significance.

NM_000795.4(DRD2):c.1078C>T (p.Arg360Cys)

Gene: DRD2 (dopamine receptor D2; minus strand). Cytogenetic location: 11q23.2.
Variant type: single nucleotide variant.
Coding change: c.1078C>T on transcript NM_000795.4 (MANE Select); coding-DNA position 1078, C replaced by T.
Protein change: p.Arg360Cys; replaces arginine 360 with cysteine.
Molecular consequence: missense variant.
Genome position (GRCh38, 1-based): chr11:113,412,616, G>A on the plus strand (C>T on the coding strand, the complement: DRD2 is on the minus strand). VCF-style: chr11-113412616-G-A. GRCh37 (hg19) VCF-style: chr11-113283338-G-A.
Other names: c.991C>T, p.Arg331Cys (NM_016574.4); short protein forms R360C, R331C.
Identifiers: ClinVar variation 3715527 (VCV003715527.2).